The following is an entry in ClinVar:

ClinVar aggregate classification (germline): Conflicting classifications of pathogenicity. Review status: criteria provided, conflicting classifications (1 of 4 stars). 4 submissions from 4 submitters: Uncertain significance (1); Benign (1); Likely benign (2). Last evaluated 2026-02-02.

Conditions:
Usher syndrome type 2C. Also called: Usher syndrome, type 2B; USHER SYNDROME, TYPE IIC. Identifiers: Orphanet 231178, Orphanet 886, MedGen C2931213, MONDO:0011558, OMIM 605472.

Allele frequency attached by ClinVar (database versions not stated): gnomAD exomes 0.00003 and 0.00020; gnomAD 0.00005; TOPMed 0.00006; ExAC 0.00020.
gnomAD v4.1: 58 of 1,613,838 alleles (0.0036%); highest among the groups gnomAD compares: East Asian, 0.098%; 1 homozygote.

Submissions (4):

Labcorp Genetics (formerly Invitae), Labcorp
Classification: Benign. Last evaluated: 2026-02-02. Review status: criteria provided, single submitter. Criteria: Invitae Variant Classification Sherloc (09022015). Collection method: clinical testing. Allele origin: germline.

CeGaT Center for Human Genetics Tuebingen
Classification: Likely benign. Last evaluated: 2025-12-01. Review status: criteria provided, single submitter. Criteria: CeGaT Center For Human Genetics Tuebingen Variant Classification Criteria Version 2. Collection method: clinical testing. Allele origin: germline. Affected: yes. Observed: 1 variant allele.
Comment: ADGRV1: BP4, BP7

Blueprint Genetics
Classification: Likely benign. Last evaluated: 2024-11-19. Review status: criteria provided, single submitter. Criteria: ACMG Guidelines, 2015. Collection method: clinical testing. Allele origin: germline.

Illumina Laboratory Services, Illumina
Classification: Uncertain significance for Usher syndrome type 2C. Last evaluated: 2018-01-13. Review status: criteria provided, single submitter. Criteria: ICSL Variant Classification Criteria 13 December 2019. Collection method: clinical testing. Allele origin: germline.

NM_032119.4(ADGRV1):c.7527A>G (p.Gln2509=)

Gene: ADGRV1 (adhesion G protein-coupled receptor V1; plus strand). Cytogenetic location: 5q14.3.
Variant type: single nucleotide variant.
Coding change: c.7527A>G on transcript NM_032119.4 (MANE Select); coding-DNA position 7527, A replaced by G.
Protein change: p.Gln2509=; no amino-acid change (glutamine 2509 retained).
Molecular consequence: synonymous variant. On other transcripts: non-coding transcript variant (1).
Genome position (GRCh38, 1-based): chr5:90,694,283, A>G. VCF-style: chr5-90694283-A-G. GRCh37 (hg19) VCF-style: chr5-89990100-A-G.
Identifiers: ClinVar variation 906331 (VCV000906331.18), dbSNP rs772103054, ClinGen allele CA3340050.